The following is an entry in ClinVar:

ClinVar aggregate classification (germline): Conflicting classifications of pathogenicity. Review status: criteria provided, conflicting classifications (1 of 4 stars). 3 submissions from 3 submitters: Uncertain significance (2); Likely benign (1). Last evaluated 2023-10-01.

Conditions:
Retinal dystrophy. Also called: Inherited retinal dystrophy. Identifiers: Orphanet 71862, MedGen C0854723, MeSH D058499, MONDO:0019118, HP:0000556.

Allele frequency attached by ClinVar (database versions not stated): ExAC 0.00001; gnomAD exomes 0.00001; gnomAD 0.00002.
gnomAD v4.1: 21 of 1,613,686 alleles (0.0013%); highest among the groups gnomAD compares: East Asian, 0.047%; no homozygotes.

Submissions (3):

Dept Of Ophthalmology, Nagoya University
Classification: Likely benign for Retinal dystrophy. Last evaluated: 2023-10-01. Review status: criteria provided, single submitter. Criteria: Submitter's publication. Collection method: research. Allele origin: germline. Affected: yes.

Blueprint Genetics
Classification: Uncertain significance. Last evaluated: 2023-04-19. Review status: criteria provided, single submitter. Criteria: ACMG Guidelines, 2015. Collection method: clinical testing. Allele origin: germline.

Labcorp Genetics (formerly Invitae), Labcorp
Classification: Uncertain significance. Last evaluated: 2022-06-07. Review status: criteria provided, single submitter. Criteria: Invitae Variant Classification Sherloc (09022015). Collection method: clinical testing. Allele origin: germline.
Comment: This sequence change replaces cysteine, which is neutral and slightly polar, with tyrosine, which is neutral and polar, at codon 987 of the RP1 protein (p.Cys987Tyr). This variant is present in population databases (rs747536867, gnomAD 0.006%). This variant has not been reported in the literature in individuals affected with RP1-related conditions. Algorithms developed to predict the effect of missense changes on protein structure and function (SIFT, PolyPhen-2, Align-GVGD) all suggest that this variant is likely to be tolerated. In summary, the available evidence is currently insufficient to determine the role of this variant in disease. Therefore, it has been classified as a Variant of Uncertain Significance.

NM_006269.2(RP1):c.2960G>A (p.Cys987Tyr)

Gene: RP1 (RP1 axonemal microtubule associated; plus strand). Cytogenetic location: 8q12.1.
Variant type: single nucleotide variant.
Coding change: c.2960G>A on transcript NM_006269.2 (MANE Select); coding-DNA position 2960, G replaced by A.
Protein change: p.Cys987Tyr; replaces cysteine 987 with tyrosine.
Molecular consequence: missense variant. On other transcripts: intron variant (1).
Genome position (GRCh38, 1-based): chr8:54,626,842, G>A. VCF-style: chr8-54626842-G-A. GRCh37 (hg19) VCF-style: chr8-55539402-G-A.
Other names: c.787+4554G>A (NM_001375654.1); short protein forms C987Y.
Identifiers: ClinVar variation 1967656 (VCV001967656.7), dbSNP rs747536867, ClinGen allele CA4751617.
Genomic context (GRCh38, chr8:54,626,842, plus strand): 5'-TTGTTATGGAAAGTAATAAGCACATAACTAAAATTGCCGGTTTGACAGGAGATAATCTAT[G>A]TAAAGAGGGAGATAAGTCTTTTATTGCCAATGACACTGGTGAAGAAGATCTCCATGAGAC-3'
Protein context (NP_006260.1, residues 977-997): KIAGLTGDNL[Cys987Tyr]KEGDKSFIAN